The following is an entry in ClinVar:

ClinVar aggregate classification (germline): Benign/Likely benign. Review status: criteria provided, multiple submitters, no conflicts (2 of 4 stars). 4 submissions from 4 submitters: Benign (2); Likely benign (1). 1 of the submissions does not count toward it. Last evaluated 2022-05-17.

Conditions:
Imagawa-Matsumoto syndrome. Identifiers: Orphanet 659463, MedGen C5394073, MONDO:0032916, OMIM 618786.
SUZ12-related disorder. Also called: SUZ12-related condition.

Allele frequency attached by ClinVar (database versions not stated): gnomAD exomes 0.00066 and 0.00193; ExAC 0.00252; gnomAD 0.00767 and 0.00818; 1000 Genomes Project 0.00799; TOPMed 0.00799; 1000 Genomes Project 30x 0.00890; ESP Exome Variant Server 0.00915.
gnomAD v4.1: 2,156 of 1,613,952 alleles (0.13%); highest among the groups gnomAD compares: African/African-American, 2.6%; 30 homozygotes.

Submissions (4):

Fulgent Genetics
Classification: Likely benign for Imagawa-Matsumoto syndrome. Last evaluated: 2022-05-17. Review status: criteria provided, single submitter. Criteria: ACMG Guidelines, 2015. Collection method: clinical testing. Allele origin: unknown.

Labcorp Genetics (formerly Invitae), Labcorp
Classification: Benign. Last evaluated: 2019-12-31. Review status: criteria provided, single submitter. Criteria: Invitae Variant Classification Sherloc (09022015). Collection method: clinical testing. Allele origin: germline.

Breakthrough Genomics
Classification: Benign. Review status: criteria provided, single submitter. Criteria: ACMG Guidelines, 2015. Collection method: not provided. Allele origin: germline. Inheritance: Autosomal dominant inheritance. Affected: yes.

PreventionGenetics, part of Exact Sciences
Classification: Benign for SUZ12-related condition. Last evaluated: 2019-07-12. Review status: no assertion criteria provided. Collection method: clinical testing. Allele origin: germline. Not counted in ClinVar's aggregate classification.
Comment: This variant is classified as benign based on ACMG/AMP sequence variant interpretation guidelines (Richards et al. 2015 PMID: 25741868, with internal and published modifications).

NM_015355.4(SUZ12):c.1671T>C (p.Tyr557=)

Gene: SUZ12 (SUZ12 polycomb repressive complex 2 subunit; plus strand). Cytogenetic location: 17q11.2.
Variant type: single nucleotide variant.
Coding change: c.1671T>C on transcript NM_015355.4 (MANE Select); coding-DNA position 1671, T replaced by C.
Protein change: p.Tyr557=; no amino-acid change (tyrosine 557 retained).
Molecular consequence: synonymous variant.
Genome position (GRCh38, 1-based): chr17:31,995,639, T>C. VCF-style: chr17-31995639-T-C. GRCh37 (hg19) VCF-style: chr17-30322658-T-C.
Other names: c.1602T>C, p.Tyr534= (NM_001321207.2).
Identifiers: ClinVar variation 712743 (VCV000712743.8), dbSNP rs55832508, ClinGen allele CA8489820.